The following is an entry in ClinVar:

NM_201253.3(CRB1):c.107C>A (p.Ser36Ter)

Gene: CRB1 (crumbs cell polarity complex component 1; plus strand). Cytogenetic location: 1q31.3.
Variant type: single nucleotide variant.
Coding change: c.107C>A on transcript NM_201253.3 (MANE Select); coding-DNA position 107, C replaced by A.
Protein change: p.Ser36Ter; replaces serine 36 with a stop codon.
Molecular consequence: nonsense. On other transcripts: 5 prime UTR variant (1), non-coding transcript variant (2).
Genome position (GRCh38, 1-based): chr1:197,328,458, C>A. VCF-style: chr1-197328458-C-A. GRCh37 (hg19) VCF-style: chr1-197297588-C-A.
Other names: c.107C>A, p.Ser36Ter (NM_001193640.2, NM_001257966.2); c.-101C>A (NM_001257965.2); short protein forms S36*.
Identifiers: ClinVar variation 1414052 (VCV001414052.6), dbSNP rs2125303600, ClinGen allele CA344085033.

ClinVar aggregate classification (germline): Pathogenic (1 of 4 stars; one submission).

Conditions:
Leber congenital amaurosis 8 (LCA8). Identifiers: Orphanet 65, MedGen C3151202, MONDO:0013453, OMIM 613835.
Retinitis pigmentosa 12 (RP12). Also called: RP WITH OR WITHOUT PRESERVED PARAARTERIOLE RETINAL PIGMENT EPITHELIUM; RETINITIS PIGMENTOSA WITH OR WITHOUT PARAARTERIOLAR PRESERVATION OF RETINAL PIGMENT EPITHELIUM; RP WITH OR WITHOUT PPRPE. Identifiers: Orphanet 791, MedGen C1838647, MONDO:0010818, OMIM 600105.

Allele frequency attached by ClinVar (database versions not stated): gnomAD exomes below 0.00001.
gnomAD v4.1: 1 of 1,614,128 alleles (0.000062%); highest among the groups gnomAD compares: Non-Finnish European, 0.000085%; no homozygotes.

Submission:

Labcorp Genetics (formerly Invitae), Labcorp
Classification: Pathogenic for Leber congenital amaurosis 8; Retinitis pigmentosa 12. Last evaluated: 2021-10-18. Review status: criteria provided, single submitter. Criteria: Invitae Variant Classification Sherloc (09022015). Collection method: clinical testing. Allele origin: germline.
Comment: For these reasons, this variant has been classified as Pathogenic. This premature translational stop signal has been observed in individual(s) with Leber congenital amaurosis (PMID: 20065226). This variant is not present in population databases (gnomAD no frequency). This sequence change creates a premature translational stop signal (p.Ser36*) in the CRB1 gene. It is expected to result in an absent or disrupted protein product. Loss-of-function variants in CRB1 are known to be pathogenic (PMID: 10508521, 22065545, 23379534, 25412400, 26957898, 28041643, 29391521).

Literature cited by the submitters: PubMed 20065226; PubMed 10508521; PubMed 22065545; PubMed 23379534; PubMed 25412400; PubMed 26957898; PubMed 28041643; PubMed 29391521.